The following is an entry in ClinVar:

ClinVar aggregate classification (germline): Conflicting classifications of pathogenicity. Review status: criteria provided, conflicting classifications (1 of 4 stars). 4 submissions from 4 submitters: Pathogenic (1); Likely pathogenic (1); Uncertain significance (1). 1 of the submissions does not count toward it. Last evaluated 2025-07-16.

Conditions:
3-methylcrotonyl-CoA carboxylase 2 deficiency. Also called: METHYLCROTONYLGLYCINURIA, TYPE II; 3 alpha methylcrotonyl-CoA carboxylase 2 deficiency; 3 alpha methylcrotonylglycinuria 2; MCC 2 deficiency; Methylcrotonylglycinuria type 2. Identifiers: Orphanet 6, MedGen C1859499, MONDO:0008862, OMIM 210210.
Methylcrotonyl-CoA carboxylase deficiency. Also called: Deficiency of methylcrotonoyl-CoA carboxylase; 3 Methylcrotonylglycinuria; 3-MCC Deficiency. Identifiers: Orphanet 6, MedGen C4551505, MONDO:0018950.

Submissions (4):

Labcorp Genetics (formerly Invitae), Labcorp
Classification: Pathogenic for 3-methylcrotonyl-CoA carboxylase 2 deficiency. Last evaluated: 2025-07-16. Review status: criteria provided, single submitter. Criteria: Invitae Variant Classification Sherloc (09022015). Collection method: clinical testing. Allele origin: germline.
Comment: This sequence change creates a premature translational stop signal (p.Ser546*) in the MCCC2 gene. While this is not anticipated to result in nonsense mediated decay, it is expected to disrupt the last 18 amino acid(s) of the MCCC2 protein. This variant is present in population databases (rs768272570, gnomAD 0.006%). This premature translational stop signal has been observed in individual(s) with a positive newborn screening result for MCCC2-related disease (PMID: 27601257; internal data). ClinVar contains an entry for this variant (Variation ID: 535825). Experimental studies and prediction algorithms are not available or were not evaluated, and the functional significance of this variant is currently unknown. This variant disrupts a region of the MCCC2 protein in which other variant(s) (p.Thr556Ile) have been determined to be pathogenic (PMID: 25381946; internal data). This suggests that this is a clinically significant region of the protein, and that variants that disrupt it are likely to be disease-causing. For these reasons, this variant has been classified as Pathogenic.

GeneDx
Classification: Likely pathogenic. Last evaluated: 2023-10-30. Review status: criteria provided, single submitter. Criteria: GeneDx Variant Classification Process June 2021. Collection method: clinical testing. Allele origin: germline. Affected: yes.
Comment: Nonsense variant predicted to result in protein truncation, as the last 18 amino acids are lost, and other loss-of-function variants have been reported downstream in HGMD; Not observed at significant frequency in large population cohorts (gnomAD); This variant is associated with the following publications: (PMID: 35281663, 27601257)

Fulgent Genetics
Classification: Uncertain significance for 3-methylcrotonyl-CoA carboxylase 2 deficiency. Last evaluated: 2021-08-25. Review status: criteria provided, single submitter. Criteria: ACMG Guidelines, 2015. Collection method: clinical testing. Allele origin: unknown.

Natera, Inc.
Classification: Uncertain significance for 3-methylcrotonylglycinuria. Last evaluated: 2020-09-16. Review status: no assertion criteria provided. Collection method: clinical testing. Allele origin: germline. Not counted in ClinVar's aggregate classification.

Literature cited by the submitters: PubMed 27601257 (cited by Labcorp Genetics (formerly Invitae), Labcorp); PubMed 25381946 (cited by Labcorp Genetics (formerly Invitae), Labcorp).

NM_022132.5(MCCC2):c.1635dup (p.Ser546Ter)

Gene: MCCC2 (methylcrotonyl-CoA carboxylase subunit 2; plus strand). Cytogenetic location: 5q13.2.
Variant type: Duplication.
Coding change: c.1635dup on transcript NM_022132.5 (MANE Select); coding-DNA position 1635, one base duplicated (T; older notation c.1635dupT).
Protein change: p.Ser546Ter; replaces serine 546 with a stop codon.
Molecular consequence: nonsense.
Genome position (GRCh38, 1-based): chr5:71,656,803, T duplicated; the last of 4 consecutive T bases (chr5:71,656,800-71,656,803); duplicating any one gives the same sequence. VCF-style (leftmost placement, unchanged base first): chr5-71656799-G-GT. GRCh37 (hg19) VCF-style: chr5-70952626-G-GT.
Other names: c.1635dupT (NM_022132.5, NM_022132.4); c.1521dup, p.Ser508Ter (NM_001363147.1); c.1635dup (NM_022132.4); short protein forms S508*, S546*.
Identifiers: ClinVar variation 535825 (VCV000535825.14), dbSNP rs768272570, ClinGen allele CA3298221.